The following is an entry in ClinVar:

ClinVar aggregate classification (germline): Pathogenic/Likely pathogenic. Review status: criteria provided, multiple submitters, no conflicts (2 of 4 stars). 4 submissions from 4 submitters: Pathogenic (1); Likely pathogenic (1). 2 of the submissions do not count toward it. Last evaluated 2024-04-05.

Conditions:
DHCR7-related disorder. Also called: DHCR7-related condition.
Smith-Lemli-Opitz syndrome (SLOS). Also called: POLYDACTYLY, SEX REVERSAL, RENAL HYPOPLASIA, AND UNILOBAR LUNG; RSH SYNDROME; RUTLEDGE LETHAL MULTIPLE CONGENITAL ANOMALY SYNDROME; 7-Dehydrocholesterol reductase deficiency; LETHAL ACRODYSGENITAL SYNDROME. Identifiers: Orphanet 818, MedGen C0175694, MONDO:0010035, OMIM 270400.

Allele frequency attached by ClinVar (database versions not stated): ExAC 0.00002.
gnomAD v4.1: 16 of 1,613,658 alleles (0.00099%); highest among the groups gnomAD compares: Non-Finnish European, 0.0013%; no homozygotes.

Submissions (4):

Fulgent Genetics
Classification: Likely pathogenic for Smith-Lemli-Opitz syndrome. Last evaluated: 2024-04-05. Review status: criteria provided, single submitter. Criteria: ACMG Guidelines, 2015. Collection method: clinical testing. Allele origin: germline.

Blueprint Genetics
Classification: Pathogenic for DHCR7-related disorders. Last evaluated: 2019-07-29. Review status: criteria provided, single submitter. Criteria: ACMG Guidelines, 2015. Collection method: clinical testing. Allele origin: germline. Affected: yes. Observed: 3 variant alleles.

PreventionGenetics, part of Exact Sciences
Classification: Likely pathogenic for DHCR7-related condition. Last evaluated: 2024-05-03. Review status: no assertion criteria provided. Collection method: clinical testing. Allele origin: germline. Not counted in ClinVar's aggregate classification.
Comment: The DHCR7 c.861C>A variant is predicted to result in the amino acid substitution p.Asn287Lys. This variant has been reported, in the homozygous or presumed compound heterozygous state, in individuals with clinical and biochemical features consistent with Smith-Lemli-Opitz syndrome (SLOS) (Yu et al. 2000. PubMed ID: 10814720; Lee et al. 2013. PubMed ID: 23918729). This variant is reported in 0.0026% of alleles in individuals of European (Non-Finnish) descent in gnomAD. This variant is interpreted as likely pathogenic.

Counsyl
Classification: Likely pathogenic for Smith-Lemli-Opitz syndrome. Last evaluated: 2018-06-07. Review status: no assertion criteria provided. Collection method: clinical testing. Allele origin: unknown. Not counted in ClinVar's aggregate classification.

Literature cited by the submitters: PubMed 17994283 (cited by Counsyl); PubMed 10814720 (cited by Counsyl); PubMed 21696385 (cited by Counsyl); PubMed 23918729 (cited by Counsyl).

NM_001360.3(DHCR7):c.861C>A (p.Asn287Lys)

Gene: DHCR7 (7-dehydrocholesterol reductase; minus strand). Cytogenetic location: 11q13.4.
Variant type: single nucleotide variant.
Coding change: c.861C>A on transcript NM_001360.3 (MANE Select); coding-DNA position 861, C replaced by A.
Protein change: p.Asn287Lys; replaces asparagine 287 with lysine.
Molecular consequence: missense variant.
Genome position (GRCh38, 1-based): chr11:71,437,914, G>T on the plus strand (C>A on the coding strand, the complement: DHCR7 is on the minus strand). VCF-style: chr11-71437914-G-T. GRCh37 (hg19) VCF-style: chr11-71148960-G-T.
Other names: c.861C>A, p.Asn287Lys (NM_001163817.2); short protein forms N287K.
Identifiers: ClinVar variation 558708 (VCV000558708.6), dbSNP rs766495775, ClinGen allele CA6162413.
Genomic context (GRCh38, chr11:71,437,914, plus strand): 5'-GCCCAGGTACCACCCGAAGTGGTCATGGCAGATGTCAATGGTCTTCAGGTACCAGGTTTC[G>T]TTCCAGAAGAAGTCAATCACGTAGATGGCCTGCAAGACAGAAGCAGCCGCTGACCACCCC-3'
Protein context (NP_001351.2, residues 277-297): QAIYVIDFFW[Asn287Lys]ETWYLKTIDI